The following is an entry in ClinVar:

NM_001684.5(ATP2B4):c.158A>G (p.Asn53Ser)

Gene: ATP2B4 (ATPase plasma membrane Ca2+ transporting 4; plus strand). Cytogenetic location: 1q32.1.
Variant type: single nucleotide variant.
Coding change: c.158A>G on transcript NM_001684.5 (MANE Select); coding-DNA position 158, A replaced by G.
Protein change: p.Asn53Ser; replaces asparagine 53 with serine.
Molecular consequence: missense variant.
Genome position (GRCh38, 1-based): chr1:203,683,363, A>G. VCF-style: chr1-203683363-A-G. GRCh37 (hg19) VCF-style: chr1-203652491-A-G.
Other names: c.158A>G, p.Asn53Ser (NM_001001396.3, NM_001365783.2, NM_001365784.2); short protein forms N53S.
Identifiers: ClinVar variation 4779693 (VCV004779693.1).
Genomic context (GRCh38, chr1:203,683,363, plus strand): 5'-TGGAGCTGCGTTCAAGGGATGCACTGACCCAGATTAATGTCCACTATGGAGGTGTACAGA[A>G]TCTCTGCAGTAGACTGAAAACCTCCCCTGTGGAAGGTAAAGGCCATATCAGGGGTGGGGA-3'
Protein context (NP_001675.3, residues 43-63): QINVHYGGVQ[Asn53Ser]LCSRLKTSPV

ClinVar aggregate classification (germline): Uncertain significance (1 of 4 stars; one submission).

gnomAD v4.1: 1 of 1,613,892 alleles (0.000062%); highest among the groups gnomAD compares: Non-Finnish European, 0.000085%; no homozygotes.

Submission:

Labcorp Genetics (formerly Invitae), Labcorp
Classification: Uncertain significance. Last evaluated: 2026-01-11. Review status: criteria provided, single submitter. Criteria: Invitae Variant Classification Sherloc (09022015). Collection method: clinical testing. Allele origin: germline.
Comment: This sequence change replaces asparagine, which is neutral and polar, with serine, which is neutral and polar, at codon 53 of the ATP2B4 protein (p.Asn53Ser). This variant is not present in population databases (gnomAD no frequency). This variant has not been reported in the literature in individuals affected with ATP2B4-related conditions. Invitae Evidence Modeling of protein sequence and biophysical properties (such as structural, functional, and spatial information, amino acid conservation, physicochemical variation, residue mobility, and thermodynamic stability) indicates that this missense variant is not expected to disrupt ATP2B4 protein function with a negative predictive value of 80%. In summary, the available evidence is currently insufficient to determine the role of this variant in disease. Therefore, it has been classified as a Variant of Uncertain Significance.